The following is an entry in ClinVar:

ClinVar aggregate classification (germline): Benign/Likely benign. Review status: criteria provided, multiple submitters, no conflicts (2 of 4 stars). 9 submissions from 8 submitters: Benign (2); Likely benign (7). Last evaluated 2026-06-01.

Conditions:
Autosomal recessive ataxia, Beauce type. Also called: ATAXIA, RECESSIVE, OF BEAUCE; Spinocerebellar ataxia, autosomal recessive 8; SYNE1-Related Autosomal Recessive Cerebellar Ataxia; SYNE1 Deficiency. Identifiers: Orphanet 88644, MedGen C1853116, MONDO:0012549, OMIM 610743.
Emery-Dreifuss muscular dystrophy 4, autosomal dominant (EDMD4). Also called: EMERY-DREIFUSS MUSCULAR DYSTROPHY 4 WITH VARIABLE FEATURES. Identifiers: Orphanet 261, MedGen C2751807, MONDO:0013071, OMIM 612998.

Allele frequency attached by ClinVar (database versions not stated): gnomAD exomes 0.00033 and 0.00070; ExAC 0.00079; 1000 Genomes Project 30x 0.00187; 1000 Genomes Project 0.00220; ESP Exome Variant Server 0.00269; gnomAD 0.00319 and 0.00346; TOPMed 0.00363.
gnomAD v4.1: 979 of 1,614,244 alleles (0.061%); highest among the groups gnomAD compares: African/African-American, 1.1%; 2 homozygotes.

Submissions (9):

CeGaT Center for Human Genetics Tuebingen
Classification: Likely benign. Last evaluated: 2026-06-01. Review status: criteria provided, single submitter. Criteria: CeGaT Center For Human Genetics Tuebingen Variant Classification Criteria Version 2. Collection method: clinical testing. Allele origin: germline. Affected: yes. Observed: 1 variant allele.
Comment: SYNE1: BP4, BS1

Labcorp Genetics (formerly Invitae), Labcorp
Classification: Likely benign for Emery-Dreifuss muscular dystrophy 4, autosomal dominant; Autosomal recessive ataxia, Beauce type. Last evaluated: 2026-01-11. Review status: criteria provided, single submitter. Criteria: Invitae Variant Classification Sherloc (09022015). Collection method: clinical testing. Allele origin: germline.

Mayo Clinic Laboratories, Mayo Clinic
Classification: Likely benign. Last evaluated: 2025-02-26. Review status: criteria provided, single submitter. Criteria: ACMG Guidelines, 2015. Collection method: clinical testing. Allele origin: germline. Observed: 3 variant alleles.
Comment: BS1, BP4

Blueprint Genetics
Classification: Likely benign. Last evaluated: 2024-04-05. Review status: criteria provided, single submitter. Criteria: ACMG Guidelines, 2015. Collection method: clinical testing. Allele origin: germline.

GeneDx
Classification: Likely benign. Last evaluated: 2021-03-17. Review status: criteria provided, single submitter. Criteria: GeneDx Variant Classification Process June 2021. Collection method: clinical testing. Allele origin: germline. Affected: yes.
Comment: This variant is associated with the following publications: (PMID: 31692161)

Athena Diagnostics
Classification: Benign. Last evaluated: 2020-05-04. Review status: criteria provided, single submitter. Criteria: Athena Diagnostics Criteria. Collection method: clinical testing. Allele origin: unknown.

Illumina Laboratory Services, Illumina
Classification: Likely benign for Autosomal recessive ataxia, Beauce type. Last evaluated: 2018-01-13. Review status: criteria provided, single submitter. Criteria: ICSL Variant Classification Criteria 13 December 2019. Collection method: clinical testing. Allele origin: germline.
Comment: This variant was observed in the ICSL laboratory as part of a predisposition screen in an ostensibly healthy population. It had not been previously curated by ICSL or reported in the Human Gene Mutation Database (HGMD: prior to June 1st, 2018), and was therefore a candidate for classification through an automated scoring system. Utilizing variant allele frequency, disease prevalence and penetrance estimates, and inheritance mode, an automated score was calculated to assess if this variant is too frequent to cause the disease. Based on the score and internal cut-off values, a variant classified as likely benign is not then subjected to further curation. The score for this variant resulted in a classification of likely benign for this disease.

Illumina Laboratory Services, Illumina
Classification: Benign for Emery-Dreifuss muscular dystrophy 4, autosomal dominant. Last evaluated: 2018-01-13. Review status: criteria provided, single submitter. Criteria: ICSL Variant Classification Criteria 13 December 2019. Collection method: clinical testing. Allele origin: germline.
Comment: This variant was observed in the ICSL laboratory as part of a predisposition screen in an ostensibly healthy population. It had not been previously curated by ICSL or reported in the Human Gene Mutation Database (HGMD: prior to June 1st, 2018), and was therefore a candidate for classification through an automated scoring system. Utilizing variant allele frequency, disease prevalence and penetrance estimates, and inheritance mode, an automated score was calculated to assess if this variant is too frequent to cause the disease. Based on the score and internal cut-off values, a variant classified as benign is not then subjected to further curation. The score for this variant resulted in a classification of benign for this disease.

Eurofins Ntd Llc (ga)
Classification: Likely benign. Last evaluated: 2015-09-15. Review status: criteria provided, single submitter. Criteria: EGL Classification Definitions 2015. Collection method: clinical testing. Allele origin: germline. Observed: 1 variant allele, 1 heterozygote.

Literature cited by the submitters: PubMed 31692161 (cited by Mayo Clinic Laboratories, Mayo Clinic).

NM_182961.4(SYNE1):c.11485A>G (p.Thr3829Ala)

Gene: SYNE1 (spectrin repeat containing nuclear envelope protein 1; minus strand). Cytogenetic location: 6q25.2.
Variant type: single nucleotide variant.
Coding change: c.11485A>G on transcript NM_182961.4 (MANE Select); coding-DNA position 11485, A replaced by G.
Protein change: p.Thr3829Ala; replaces threonine 3829 with alanine.
Molecular consequence: missense variant.
Genome position (GRCh38, 1-based): chr6:152,352,122, T>C on the plus strand (A>G on the coding strand, the complement: SYNE1 is on the minus strand). VCF-style: chr6-152352122-T-C. GRCh37 (hg19) VCF-style: chr6-152673257-T-C.
Other names: p.Thr3814Ala; c.11440A>G, p.Thr3814Ala (NM_033071.5); short protein forms T3814A, T3829A.
Identifiers: ClinVar variation 283026 (VCV000283026.25), dbSNP rs115786671, ClinGen allele CA4056683.
Genomic context (GRCh38, chr6:152,352,122, plus strand): 5'-ATTCCATTTTGGGTTCTTCAGGAACATGTAGAATTTCCTGGTATTCTGCTATCCACTGTG[T>C]CAGTGCTTTGCATTTATCTGAGAATTCCTTTGCTAAATGAAGACCTTTTTCCAGCGTCAT-3'
Protein context (NP_892006.3, residues 3819-3839): KEFSDKCKAL[Thr3829Ala]QWIAEYQEIL